The following is an entry in ClinVar:

NM_000089.4(COL1A2):c.2288G>A (p.Gly763Asp)

Gene: COL1A2 (collagen type I alpha 2 chain; plus strand). Cytogenetic location: 7q21.3.
Variant type: single nucleotide variant.
Coding change: c.2288G>A on transcript NM_000089.4 (MANE Select); coding-DNA position 2288, G replaced by A.
Protein change: p.Gly763Asp; replaces glycine 763 with aspartic acid.
Molecular consequence: missense variant.
Genome position (GRCh38, 1-based): chr7:94,420,641, G>A. VCF-style: chr7-94420641-G-A. GRCh37 (hg19) VCF-style: chr7-94049953-G-A.
Other names: short protein forms G763D.
Identifiers: ClinVar variation 1454487 (VCV001454487.10), dbSNP rs72658179, ClinGen allele CA368223631.

ClinVar aggregate classification (germline): Pathogenic/Likely pathogenic. Review status: criteria provided, multiple submitters, no conflicts (2 of 4 stars). 2 submissions from 2 submitters: Pathogenic (1); Likely pathogenic (1). Last evaluated 2021-05-13.

Conditions:
Ehlers-Danlos syndrome, classic type, 1 (EDSCL1). Also called: EHLERS-DANLOS SYNDROME, GRAVIS TYPE; EHLERS-DANLOS SYNDROME, SEVERE CLASSIC TYPE; Ehlers-Danlos syndrome, type 1; Ehlers-Danlos Syndrome, Classic Type, COL5A1-Related; EDS I. Identifiers: MedGen C0268335, MONDO:0019567, OMIM 130000.
Osteogenesis imperfecta type I (OI1). Also called: OI, TYPE I; OSTEOGENESIS IMPERFECTA TARDA; OSTEOGENESIS IMPERFECTA WITH BLUE SCLERAE; Osteogenesis imperfecta type 1; Lobstein's Disease; Lobstein disease. Identifiers: Orphanet 216796, Orphanet 666, MedGen C0023931, MONDO:0008146, OMIM 166200. Disease mechanism: loss of function.
Osteogenesis imperfecta type III (OI3). Also called: Osteogenesis imperfecta type 3; OI type 3; Osteogenesis imperfecta, progressively deforming with normal sclerae; OI type III; Progressively Deforming Osteogenesis Imperfecta. Identifiers: Orphanet 216812, Orphanet 666, MedGen C0268362, MONDO:0009804, OMIM 259420.
Osteogenesis imperfecta with normal sclerae, dominant form (OI4). Also called: OSTEOGENESIS IMPERFECTA, TYPE IV, WITH DENTINOGENESIS IMPERFECTA; OSTEOGENESIS IMPERFECTA WITH NORMAL SCLERAE; Osteogenesis imperfecta type 4; Osteogenesis Imperfecta Type IV; Common Variable Osteogenesis Imperfecta with Normal Sclerae. Identifiers: Orphanet 216820, Orphanet 666, MedGen C0268363, MONDO:0008148, OMIM 166220.
Osteogenesis imperfecta, perinatal lethal (OI2). Also called: OSTEOGENESIS IMPERFECTA, TYPE II; OI, TYPE II; OSTEOGENESIS IMPERFECTA CONGENITA; VROLIK TYPE OF OSTEOGENESIS IMPERFECTA; Osteogenesis imperfecta type 2; Osteogenesis imperfecta, dominant perinatal lethal. Identifiers: Orphanet 216804, MedGen C0268358, MONDO:0008147, OMIM 166210.

Submissions (2):

Laboratorio de Genetica e Diagnostico Molecular, Hospital Israelita Albert Einstein
Classification: Likely pathogenic for Osteogenesis imperfecta, perinatal lethal; Osteogenesis imperfecta type III; Osteogenesis imperfecta with normal sclerae, dominant form. Last evaluated: 2021-05-13. Review status: criteria provided, single submitter. Criteria: ACMG Guidelines, 2015. Collection method: clinical testing. Allele origin: germline. Affected: yes.
Comment: ACMG classification criteria: PS4 supporting, PM1 supporting, PM2 moderate, PM6 supporting, PP3 supporting, PP4 supporting

Labcorp Genetics (formerly Invitae), Labcorp
Classification: Pathogenic for Osteogenesis imperfecta type I; Ehlers-Danlos syndrome, classic type, 1. Last evaluated: 2021-03-04. Review status: criteria provided, single submitter. Criteria: Invitae Variant Classification Sherloc (09022015). Collection method: clinical testing. Allele origin: germline.
Comment: For these reasons, this variant has been classified as Pathogenic. This variant disrupts the triple helix domain of COL1A2. Glycine residues within the Gly-Xaa-Yaa repeats of the triple helix domain are required for the structure and stability of fibrillar collagens (PMID: 7695699, 8218237, 19344236). In COL1A2, variants affecting these glycine residues are significantly enriched in individuals with disease (PMID: 9016532, 17078022) compared to the general population (ExAC). This variant is not present in population databases (ExAC no frequency). Advanced modeling of protein sequence and biophysical properties (such as structural, functional, and spatial information, amino acid conservation, physicochemical variation, residue mobility, and thermodynamic stability) performed at Invitae indicates that this missense variant is expected to disrupt COL1A2 protein function. This variant has been observed in individual(s) with osteogenesis imperfecta type III (PMID: 26627451, 21488294). This sequence change replaces glycine with aspartic acid at codon 763 of the COL1A2 protein (p.Gly763Asp). The glycine residue is highly conserved and there is a moderate physicochemical difference between glycine and aspartic acid.

Literature cited by the submitters: PubMed 7695699 (cited by Labcorp Genetics (formerly Invitae), Labcorp); PubMed 8218237 (cited by Labcorp Genetics (formerly Invitae), Labcorp); PubMed 19344236 (cited by Labcorp Genetics (formerly Invitae), Labcorp); PubMed 9016532 (cited by Labcorp Genetics (formerly Invitae), Labcorp); PubMed 17078022 (cited by Labcorp Genetics (formerly Invitae), Labcorp); PubMed 26627451 (cited by Labcorp Genetics (formerly Invitae), Labcorp); PubMed 21488294 (cited by Labcorp Genetics (formerly Invitae), Labcorp).